The following is an entry in ClinVar:

ClinVar aggregate classification (germline): Uncertain significance. Review status: criteria provided, multiple submitters, no conflicts (2 of 4 stars). 2 submissions from 2 submitters: Uncertain significance (2). Last evaluated 2025-01-23.

Conditions:
Familial cutaneous telangiectasia and oropharyngeal predisposition cancer syndrome. Identifiers: Orphanet 313846, MedGen C3281203, MONDO:0013806, OMIM 614564.
Seckel syndrome 1 (SCKL1). Also called: MICROCEPHALIC PRIMORDIAL DWARFISM I. Identifiers: Orphanet 808, MedGen C4551474, MONDO:0008869, OMIM 210600.

Allele frequency attached by ClinVar (database versions not stated): gnomAD exomes below 0.00001; gnomAD 0.00001.
gnomAD v4.1: 8 of 1,613,882 alleles (0.0005%); highest among the groups gnomAD compares: African/African-American, 0.0013%; no homozygotes.

Submissions (2):

Labcorp Genetics (formerly Invitae), Labcorp
Classification: Uncertain significance. Last evaluated: 2025-01-23. Review status: criteria provided, single submitter. Criteria: Invitae Variant Classification Sherloc (09022015). Collection method: clinical testing. Allele origin: germline.
Comment: This sequence change replaces glutamic acid, which is acidic and polar, with glycine, which is neutral and non-polar, at codon 1992 of the ATR protein (p.Glu1992Gly). This variant is not present in population databases (gnomAD no frequency). This variant has not been reported in the literature in individuals affected with ATR-related conditions. ClinVar contains an entry for this variant (Variation ID: 1916786). An algorithm developed to predict the effect of missense changes on protein structure and function (PolyPhen-2) suggests that this variant is likely to be tolerated. In summary, the available evidence is currently insufficient to determine the role of this variant in disease. Therefore, it has been classified as a Variant of Uncertain Significance.

Fulgent Genetics
Classification: Uncertain significance for Seckel syndrome 1; Familial cutaneous telangiectasia and oropharyngeal predisposition cancer syndrome. Last evaluated: 2024-06-14. Review status: criteria provided, single submitter. Criteria: ACMG Guidelines, 2015. Collection method: clinical testing. Allele origin: germline.

NM_001184.4(ATR):c.5975A>G (p.Glu1992Gly)

Gene: ATR (ATR checkpoint kinase; minus strand). Cytogenetic location: 3q23.
Variant type: single nucleotide variant.
Coding change: c.5975A>G on transcript NM_001184.4 (MANE Select); coding-DNA position 5975, A replaced by G.
Protein change: p.Glu1992Gly; replaces glutamic acid 1992 with glycine.
Molecular consequence: missense variant.
Genome position (GRCh38, 1-based): chr3:142,493,235, T>C on the plus strand (A>G on the coding strand, the complement: ATR is on the minus strand). VCF-style: chr3-142493235-T-C. GRCh37 (hg19) VCF-style: chr3-142212077-T-C.
Other names: c.5783A>G, p.Glu1928Gly (NM_001354579.2); short protein forms E1992G, E1928G.
Identifiers: ClinVar variation 1916786 (VCV001916786.6), dbSNP rs2031397109, ClinGen allele CA354811609.